The following is an entry in ClinVar:

ClinVar aggregate classification (germline): Uncertain significance. Review status: criteria provided, multiple submitters, no conflicts (2 of 4 stars). 3 submissions from 3 submitters: Uncertain significance (3). Last evaluated 2025-02-05.

Conditions:
Donnai-Barrow syndrome. Also called: DBS/FOAR SYNDROME; FACIOOCULOACOUSTICORENAL SYNDROME. Identifiers: Orphanet 2143, MedGen C1857277, MONDO:0009104, OMIM 222448.
Inborn genetic diseases. Identifiers: MedGen C0950123, MeSH D030342.

Allele frequency attached by ClinVar (database versions not stated): TOPMed below 0.00001; gnomAD 0.00001 and 0.00002; 1000 Genomes Project 30x 0.00016; 1000 Genomes Project 0.00020.
gnomAD v4.1: 6 of 1,613,982 alleles (0.00037%); highest among the groups gnomAD compares: African/African-American, 0.0027%; no homozygotes.

Submissions (3):

Ambry Genetics
Classification: Uncertain significance for Inborn genetic diseases. Last evaluated: 2025-02-05. Review status: criteria provided, single submitter. Criteria: Ambry Variant Classification Scheme 2023. Collection method: clinical testing. Allele origin: germline.

Labcorp Genetics (formerly Invitae), Labcorp
Classification: Uncertain significance. Last evaluated: 2025-01-15. Review status: criteria provided, single submitter. Criteria: Invitae Variant Classification Sherloc (09022015). Collection method: clinical testing. Allele origin: germline.
Comment: This sequence change replaces arginine, which is basic and polar, with cysteine, which is neutral and slightly polar, at codon 548 of the LRP2 protein (p.Arg548Cys). This variant is present in population databases (rs201490492, gnomAD 0.01%). This variant has not been reported in the literature in individuals affected with LRP2-related conditions. ClinVar contains an entry for this variant (Variation ID: 1365073). Invitae Evidence Modeling of protein sequence and biophysical properties (such as structural, functional, and spatial information, amino acid conservation, physicochemical variation, residue mobility, and thermodynamic stability) indicates that this missense variant is expected to disrupt LRP2 protein function with a positive predictive value of 80%. In summary, the available evidence is currently insufficient to determine the role of this variant in disease. Therefore, it has been classified as a Variant of Uncertain Significance.

Fulgent Genetics
Classification: Uncertain significance for Donnai-Barrow syndrome. Last evaluated: 2022-05-25. Review status: criteria provided, single submitter. Criteria: ACMG Guidelines, 2015. Collection method: clinical testing. Allele origin: unknown.

NM_004525.3(LRP2):c.1642C>T (p.Arg548Cys)

Gene: LRP2 (LDL receptor related protein 2; minus strand). Cytogenetic location: 2q31.1.
Variant type: single nucleotide variant.
Coding change: c.1642C>T on transcript NM_004525.3 (MANE Select); coding-DNA position 1642, C replaced by T.
Protein change: p.Arg548Cys; replaces arginine 548 with cysteine.
Molecular consequence: missense variant.
Genome position (GRCh38, 1-based): chr2:169,277,875, G>A on the plus strand (C>T on the coding strand, the complement: LRP2 is on the minus strand). VCF-style: chr2-169277875-G-A. GRCh37 (hg19) VCF-style: chr2-170134385-G-A.
Other names: c.1642C>T (NM_004525.2); short protein forms R548C.
Identifiers: ClinVar variation 1365073 (VCV001365073.6), dbSNP rs201490492, ClinGen allele CA59928045.